The following is an entry in ClinVar:

ClinVar aggregate classification (germline): Uncertain significance (1 of 4 stars; one submission).

Submission:

GeneDx
Classification: Uncertain significance. Last evaluated: 2026-06-20. Review status: criteria provided, single submitter. Criteria: GeneDx Variant Classification Process June 2021. Collection method: clinical testing. Allele origin: germline.
Comment: Not observed at significant frequency in large population cohorts (gnomAD); In silico analysis supports that this missense variant has a deleterious effect on protein structure/function; Has not been previously published as pathogenic or benign to our knowledge

NM_001148.6(ANK2):c.3062T>C (p.Val1021Ala)

Gene: ANK2 (ankyrin 2; plus strand). Cytogenetic location: 4q26.
Variant type: single nucleotide variant.
Coding change: c.3062T>C on transcript NM_001148.6 (MANE Select); coding-DNA position 3062, T replaced by C.
Protein change: p.Val1021Ala; replaces valine 1021 with alanine.
Molecular consequence: missense variant.
Genome position (GRCh38, 1-based): chr4:113,330,407, T>C. VCF-style: chr4-113330407-T-C. GRCh37 (hg19) VCF-style: chr4-114251563-T-C.
Other names: c.3035T>C, p.Val1012Ala (NM_001127493.3); c.3074T>C, p.Val1025Ala (NM_001354225.2); c.3062T>C, p.Val1021Ala (NM_001354228.2, NM_001354258.2, NM_020977.5); c.3140T>C, p.Val1047Ala (NM_001354230.2, NM_001354237.2); c.3104T>C, p.Val1035Ala (NM_001354231.2, NM_001354242.2); c.3098T>C, p.Val1033Ala (NM_001354232.2); c.3059T>C, p.Val1020Ala (NM_001354235.2, NM_001354236.2, NM_001354246.2 and 1 more transcripts); c.3032T>C, p.Val1011Ala (NM_001354239.2, NM_001354252.2, NM_001354272.2); and 23 more; short protein forms V1000A, V1002A, V1004A, V1007A, V1009A, V1011A, V1012A, V1016A.
Identifiers: ClinVar variation 3603159 (VCV003603159.2).